The following is an entry in ClinVar:

NM_001364171.2(ODAD1):c.667G>A (p.Glu223Lys)

Gene: ODAD1 (outer dynein arm docking complex subunit 1; minus strand). Cytogenetic location: 19q13.33.
Variant type: single nucleotide variant.
Coding change: c.667G>A on transcript NM_001364171.2 (MANE Select); coding-DNA position 667, G replaced by A.
Protein change: p.Glu223Lys; replaces glutamic acid 223 with lysine.
Molecular consequence: missense variant.
Genome position (GRCh38, 1-based): chr19:48,304,139, C>T on the plus strand (G>A on the coding strand, the complement: ODAD1 is on the minus strand). VCF-style: chr19-48304139-C-T. GRCh37 (hg19) VCF-style: chr19-48807396-C-T.
Other names: c.556G>A, p.Glu186Lys (NM_144577.4); c.556G>A (NM_144577.3); short protein forms E186K, E223K.
Identifiers: ClinVar variation 1011973 (VCV001011973.10), dbSNP rs773119584, ClinGen allele CA9548994.

ClinVar aggregate classification (germline): Uncertain significance. Review status: criteria provided, multiple submitters, no conflicts (2 of 4 stars). 2 submissions from 2 submitters: Uncertain significance (2). Last evaluated 2024-12-16.

Conditions:
Primary ciliary dyskinesia. Also called: Ciliary dyskinesia. Identifiers: Orphanet 244, MedGen C0008780, MONDO:0016575, HP:0012265.

Allele frequency attached by ClinVar (database versions not stated): ExAC 0.00001; gnomAD 0.00001; gnomAD exomes 0.00002; TOPMed 0.00002.
gnomAD v4.1: 30 of 1,604,304 alleles (0.0019%); highest among the groups gnomAD compares: Middle Eastern, 0.066%; no homozygotes.

Submissions (2):

Ambry Genetics
Classification: Uncertain significance for Primary ciliary dyskinesia. Last evaluated: 2024-12-16. Review status: criteria provided, single submitter. Criteria: Ambry Variant Classification Scheme 2023. Collection method: clinical testing. Allele origin: germline.

Labcorp Genetics (formerly Invitae), Labcorp
Classification: Uncertain significance for Primary ciliary dyskinesia. Last evaluated: 2023-07-14. Review status: criteria provided, single submitter. Criteria: Invitae Variant Classification Sherloc (09022015). Collection method: clinical testing. Allele origin: germline.
Comment: In summary, the available evidence is currently insufficient to determine the role of this variant in disease. Therefore, it has been classified as a Variant of Uncertain Significance. Algorithms developed to predict the effect of sequence changes on RNA splicing suggest that this variant may create or strengthen a splice site. An algorithm developed to predict the effect of missense changes on protein structure and function (PolyPhen-2) suggests that this variant is likely to be disruptive. ClinVar contains an entry for this variant (Variation ID: 1011973). This variant has not been reported in the literature in individuals affected with CCDC114-related conditions. This variant is present in population databases (rs773119584, gnomAD 0.01%). This sequence change replaces glutamic acid, which is acidic and polar, with lysine, which is basic and polar, at codon 186 of the CCDC114 protein (p.Glu186Lys).